The following is an entry in ClinVar:

ClinVar aggregate classification (germline): Uncertain significance (1 of 4 stars; one submission).

Conditions:
Leber congenital amaurosis 2 (LCA2). Also called: Autosomal Recessive RPE65-Related Retinal Degeneration; AMAUROSIS CONGENITA OF LEBER II. Identifiers: Orphanet 65, MedGen C1859844, MONDO:0008765, OMIM 204100. Disease mechanism: loss of function.
Retinitis pigmentosa 20 (RP20). Identifiers: Orphanet 791, MedGen C3151086, MONDO:0013425, OMIM 613794.

Submission:

Labcorp Genetics (formerly Invitae), Labcorp
Classification: Uncertain significance for Leber congenital amaurosis 2; Retinitis pigmentosa 20. Last evaluated: 2021-11-19. Review status: criteria provided, single submitter. Criteria: Invitae Variant Classification Sherloc (09022015). Collection method: clinical testing. Allele origin: germline.
Comment: This variant is not present in population databases (gnomAD no frequency). This sequence change replaces threonine, which is neutral and polar, with proline, which is neutral and non-polar, at codon 432 of the RPE65 protein (p.Thr432Pro). This variant has not been reported in the literature in individuals affected with RPE65-related conditions. In summary, the available evidence is currently insufficient to determine the role of this variant in disease. Therefore, it has been classified as a Variant of Uncertain Significance. Algorithms developed to predict the effect of missense changes on protein structure and function (SIFT, PolyPhen-2, Align-GVGD) all suggest that this variant is likely to be tolerated.

NM_000329.3(RPE65):c.1294A>C (p.Thr432Pro)

Gene: RPE65 (retinoid isomerohydrolase RPE65; minus strand). Cytogenetic location: 1p31.3.
Variant type: single nucleotide variant.
Coding change: c.1294A>C on transcript NM_000329.3 (MANE Select); coding-DNA position 1294, A replaced by C.
Protein change: p.Thr432Pro; replaces threonine 432 with proline.
Molecular consequence: missense variant.
Genome position (GRCh38, 1-based): chr1:68,431,326, T>G on the plus strand (A>C on the coding strand, the complement: RPE65 is on the minus strand). VCF-style: chr1-68431326-T-G. GRCh37 (hg19) VCF-style: chr1-68897009-T-G.
Other names: short protein forms T432P.
Identifiers: ClinVar variation 1504643 (VCV001504643.6), dbSNP rs1645824500, ClinGen allele CA340742518.